The following is an entry in ClinVar:

NM_000081.4(LYST):c.6713G>A (p.Arg2238Gln)

Gene: LYST (lysosomal trafficking regulator; minus strand). Cytogenetic location: 1q42.3.
Variant type: single nucleotide variant.
Coding change: c.6713G>A on transcript NM_000081.4 (MANE Select); coding-DNA position 6713, G replaced by A.
Protein change: p.Arg2238Gln; replaces arginine 2238 with glutamine.
Molecular consequence: missense variant.
Genome position (GRCh38, 1-based): chr1:235,759,140, C>T on the plus strand (G>A on the coding strand, the complement: LYST is on the minus strand). VCF-style: chr1-235759140-C-T. GRCh37 (hg19) VCF-style: chr1-235922440-C-T.
Other names: c.6713G>A, p.Arg2238Gln (NM_001301365.1); short protein forms R2238Q.
Identifiers: ClinVar variation 3671544 (VCV003671544.1).

ClinVar aggregate classification (germline): Uncertain significance (1 of 4 stars; one submission).

Conditions:
Chédiak-Higashi syndrome (CHS). Also called: Chediak-Higashi Syndrome. Identifiers: Orphanet 167, MedGen C0007965, MONDO:0008963, OMIM 214500.

gnomAD v4.1: 36 of 1,614,050 alleles (0.0022%); highest among the groups gnomAD compares: East Asian, 0.0045%; no homozygotes.

Submission:

Labcorp Genetics (formerly Invitae), Labcorp
Classification: Uncertain significance for Chédiak-Higashi syndrome. Last evaluated: 2024-09-01. Review status: criteria provided, single submitter. Criteria: Invitae Variant Classification Sherloc (09022015). Collection method: clinical testing. Allele origin: germline.
Comment: This sequence change replaces arginine, which is basic and polar, with glutamine, which is neutral and polar, at codon 2238 of the LYST protein (p.Arg2238Gln). The frequency data for this variant in the population databases is considered unreliable, as metrics indicate poor data quality at this position in the gnomAD database. This variant has not been reported in the literature in individuals affected with LYST-related conditions. Invitae Evidence Modeling of protein sequence and biophysical properties (such as structural, functional, and spatial information, amino acid conservation, physicochemical variation, residue mobility, and thermodynamic stability) indicates that this missense variant is not expected to disrupt LYST protein function with a negative predictive value of 80%. In summary, the available evidence is currently insufficient to determine the role of this variant in disease. Therefore, it has been classified as a Variant of Uncertain Significance.